The following is an entry in ClinVar:

ClinVar aggregate classification (germline): Pathogenic (1 of 4 stars; one submission).

Submission:

Labcorp Genetics (formerly Invitae), Labcorp
Classification: Pathogenic. Last evaluated: 2023-06-28. Review status: criteria provided, single submitter. Criteria: Invitae Variant Classification Sherloc (09022015). Collection method: clinical testing. Allele origin: germline.
Comment: For these reasons, this variant has been classified as Pathogenic. This premature translational stop signal has been observed in individual(s) with osteopetrosis (PMID: 19507210). This variant is not present in population databases (gnomAD no frequency). This sequence change creates a premature translational stop signal (p.Tyr626*) in the TCIRG1 gene. It is expected to result in an absent or disrupted protein product. Loss-of-function variants in TCIRG1 are known to be pathogenic (PMID: 10888887, 10942435, 11532986, 19448635).

Literature cited by the submitters: PubMed 19507210; PubMed 10888887; PubMed 10942435; PubMed 11532986; PubMed 19448635.

NM_006019.4(TCIRG1):c.1878C>A (p.Tyr626Ter)

Gene: TCIRG1 (T cell immune regulator 1, ATPase H+ transporting V0 subunit a3; plus strand). Cytogenetic location: 11q13.2.
Variant type: single nucleotide variant.
Coding change: c.1878C>A on transcript NM_006019.4 (MANE Select); coding-DNA position 1878, C replaced by A.
Protein change: p.Tyr626Ter; replaces tyrosine 626 with a stop codon.
Molecular consequence: nonsense.
Genome position (GRCh38, 1-based): chr11:68,049,285, C>A. VCF-style: chr11-68049285-C-A. GRCh37 (hg19) VCF-style: chr11-67816752-C-A.
Other names: c.1230C>A, p.Tyr410Ter (NM_006053.4); c.984C>A, p.Tyr328Ter (NM_001351059.2); short protein forms Y328*, Y410*, Y626*.
Identifiers: ClinVar variation 2735682 (VCV002735682.3), dbSNP rs2134460930, ClinGen allele CA381587496.
Genomic context (GRCh38, chr11:68,049,285, plus strand): 5'-CCTCATCCACTTCATCAACATGTTCCTCTTCTCCCACAGCCCCAGCAACAGGCTGCTCTA[C>A]CCCCGGCAGGTGGGCTGCGGCTGGTGGGGGCCGGGCTCACACGGCCTCATGGGGACCCCG-3'